The following is an entry in ClinVar:

ClinVar aggregate classification (germline): Uncertain significance. Review status: criteria provided, multiple submitters, no conflicts (2 of 4 stars). 4 submissions from 4 submitters: Uncertain significance (4). Last evaluated 2026-05-27.

Conditions:
GNS-related disorder. Also called: GNS-related condition.
Inborn genetic diseases. Identifiers: MedGen C0950123, MeSH D030342.
Mucopolysaccharidosis, MPS-III-D (MPS3D). Also called: N-ACETYLGLUCOSAMINE-6-SULFATASE DEFICIENCY; SANFILIPPO SYNDROME D; MPS III D; Mucopoly-saccharidosis type 3D; N-acetylglucosamine-6-sulfate sulfatase deficiency; MPS 3D. Identifiers: Orphanet 581, Orphanet 79272, MedGen C0086650, MONDO:0009658, OMIM 252940.

Allele frequency attached by ClinVar (database versions not stated): TOPMed 0.00036.
gnomAD v4.1: 92 of 1,613,078 alleles (0.0057%); highest among the groups gnomAD compares: Admixed American, 0.15%; no homozygotes.

Submissions (4):

PreventionGenetics, part of Exact Sciences
Classification: Uncertain significance for GNS-related condition. Last evaluated: 2026-05-27. Review status: criteria provided, single submitter. Criteria: ACMG Guidelines, 2015. Collection method: clinical testing. Allele origin: germline.
Comment: The GNS c.679A>C variant is predicted to result in the amino acid substitution p.Met227Leu. To our knowledge, this variant has not been reported in the literature. This variant is reported in 0.081% of alleles in individuals of Latino descent in gnomAD. Although we suspect that this variant may be benign, at this time, the clinical significance of this variant is uncertain due to the absence of conclusive functional and genetic evidence.

Labcorp Genetics (formerly Invitae), Labcorp
Classification: Uncertain significance for Mucopolysaccharidosis, MPS-III-D. Last evaluated: 2022-08-19. Review status: criteria provided, single submitter. Criteria: Invitae Variant Classification Sherloc (09022015). Collection method: clinical testing. Allele origin: germline.
Comment: This sequence change replaces methionine, which is neutral and non-polar, with leucine, which is neutral and non-polar, at codon 227 of the GNS protein (p.Met227Leu). This variant is present in population databases (no rsID available, gnomAD 0.08%). This variant has not been reported in the literature in individuals affected with GNS-related conditions. ClinVar contains an entry for this variant (Variation ID: 1428962). Algorithms developed to predict the effect of missense changes on protein structure and function (SIFT, PolyPhen-2, Align-GVGD) all suggest that this variant is likely to be tolerated. In summary, the available evidence is currently insufficient to determine the role of this variant in disease. Therefore, it has been classified as a Variant of Uncertain Significance.

GeneDx
Classification: Uncertain significance. Last evaluated: 2022-07-25. Review status: criteria provided, single submitter. Criteria: GeneDx Variant Classification Process June 2021. Collection method: clinical testing. Allele origin: germline. Affected: yes.
Comment: In silico analysis supports that this missense variant does not alter protein structure/function; Has not been previously published as pathogenic or benign to our knowledge

Ambry Genetics
Classification: Uncertain significance for Inborn genetic diseases. Last evaluated: 2022-05-18. Review status: criteria provided, single submitter. Criteria: Ambry Variant Classification Scheme 2023. Collection method: clinical testing. Allele origin: germline.

NM_002076.4(GNS):c.679A>C (p.Met227Leu)

Gene: GNS (glucosamine (N-acetyl)-6-sulfatase; minus strand). Cytogenetic location: 12q14.3.
Variant type: single nucleotide variant.
Coding change: c.679A>C on transcript NM_002076.4 (MANE Select); coding-DNA position 679, A replaced by C.
Protein change: p.Met227Leu; replaces methionine 227 with leucine.
Molecular consequence: missense variant.
Genome position (GRCh38, 1-based): chr12:64,743,254, T>G on the plus strand (A>C on the coding strand, the complement: GNS is on the minus strand). VCF-style: chr12-64743254-T-G. GRCh37 (hg19) VCF-style: chr12-65137034-T-G.
Other names: c.679A>C (NM_002076.3); short protein forms M227L.
Identifiers: ClinVar variation 1428962 (VCV001428962.7), dbSNP rs901034074, ClinGen allele CA238290030.
Genomic context (GRCh38, chr12:64,743,254, plus strand): 5'-CCTTCTGGTACTGAGGTGCAGCTGTCCAAGGCGAATGAGGCGCTGGAGTGGCGATCATCA[T>G]GAAGAAGGGCTCAAAGTTGGACTTGTAGTCCAGAAAGTCCAAGGAGACATTAGCCTGACA-3'
Protein context (NP_002067.1, residues 217-237): DYKSNFEPFF[Met227Leu]MIATPAPHSP